The following is an entry in ClinVar:

NM_006904.7(PRKDC):c.10715T>C (p.Ile3572Thr)

Gene: PRKDC (protein kinase, DNA-activated, catalytic subunit; minus strand). Cytogenetic location: 8q11.21.
Variant type: single nucleotide variant.
Coding change: c.10715T>C on transcript NM_006904.7 (MANE Select); coding-DNA position 10715, T replaced by C.
Protein change: p.Ile3572Thr; replaces isoleucine 3572 with threonine.
Molecular consequence: missense variant.
Genome position (GRCh38, 1-based): chr8:47,789,194, A>G on the plus strand (T>C on the coding strand, the complement: PRKDC is on the minus strand). VCF-style: chr8-47789194-A-G. GRCh37 (hg19) VCF-style: chr8-48701755-A-G.
Other names: c.10715T>C, p.Ile3572Thr (NM_001081640.2); short protein forms I3572T.
Identifiers: ClinVar variation 2013517 (VCV002013517.5), dbSNP rs2551861409, ClinGen allele CA371132423.

ClinVar aggregate classification (germline): Uncertain significance. Review status: criteria provided, multiple submitters, no conflicts (2 of 4 stars). 2 submissions from 2 submitters: Uncertain significance (2). Last evaluated 2026-10-01.

Conditions:
Severe combined immunodeficiency due to DNA-PKcs deficiency. Also called: IMMUNODEFICIENCY 26 WITH NEUROLOGIC ABNORMALITIES; Immunodeficiency 26 with or without neurologic abnormalities. Identifiers: Orphanet 317425, MedGen C4014833, MONDO:0014423, OMIM 615966.

Submissions (2):

GeneDx
Classification: Uncertain significance. Last evaluated: 2026-10-01. Review status: criteria provided, single submitter. Criteria: GeneDx Variant Classification Process June 2021. Collection method: clinical testing. Allele origin: germline.
Comment: Not observed at significant frequency in large population cohorts (gnomAD); In silico analysis supports that this missense variant has a deleterious effect on protein structure/function; Has not been previously published as pathogenic or benign to our knowledge

Labcorp Genetics (formerly Invitae), Labcorp
Classification: Uncertain significance for Severe combined immunodeficiency due to DNA-PKcs deficiency. Last evaluated: 2022-11-10. Review status: criteria provided, single submitter. Criteria: Invitae Variant Classification Sherloc (09022015). Collection method: clinical testing. Allele origin: germline.
Comment: Advanced modeling of protein sequence and biophysical properties (such as structural, functional, and spatial information, amino acid conservation, physicochemical variation, residue mobility, and thermodynamic stability) performed at Invitae indicates that this missense variant is not expected to disrupt PRKDC protein function. This variant has not been reported in the literature in individuals affected with PRKDC-related conditions. This variant is not present in population databases (gnomAD no frequency). This sequence change replaces isoleucine, which is neutral and non-polar, with threonine, which is neutral and polar, at codon 3572 of the PRKDC protein (p.Ile3572Thr). In summary, the available evidence is currently insufficient to determine the role of this variant in disease. Therefore, it has been classified as a Variant of Uncertain Significance.